The following is an entry in ClinVar:

ClinVar aggregate classification (germline): Conflicting classifications of pathogenicity. Review status: criteria provided, conflicting classifications (1 of 4 stars). 3 submissions from 3 submitters: Likely pathogenic (1); Uncertain significance (1). 1 of the submissions does not count toward it. Last evaluated 2025-11-19.

Conditions:
HEMOGLOBIN CHEVERLY.

Submissions (3):

Women's Health and Genetics/Laboratory Corporation of America, LabCorp
Classification: Uncertain significance. Last evaluated: 2025-11-19. Review status: criteria provided, single submitter. Criteria: LabCorp Variant Classification Summary - May 2015. Collection method: clinical testing. Allele origin: germline.
Comment: Variant summary: HBB c.137T>C (p.Phe46Ser) results in a non-conservative amino acid change in the encoded protein sequence. Algorithms developed to predict the effect of missense changes on protein structure and function all suggest that this variant is likely to be disruptive. The variant was absent in 251414 control chromosomes. The available data on variant occurrences in the general population are insufficient to allow any conclusion about variant significance. c.137T>C has been observed in the heterozygous state in individuals affected with mild anemia and in individuals with low peripheral oxygen saturation detected by pulse oximetry, but with normal arterial oxygen saturation who are otherwise asymptomatic (e.g. Yeager_1983, Hohl_1998, Yodfat_2006, van Zwieten_2014, Chow_2021). Experimental evidence evaluating an impact on protein function suggests Hb Cheverly is unstable and has a reduced oxygen affinity and a Bohr effect approximately two-thirds of normal (Yeager_1983). The following publications have been ascertained in the context of this evaluation (PMID: 34528613, 9798654, 6815132, 6877904, 16790675, 24200101). ClinVar contains an entry for this variant (Variation ID: 15135). Based on the evidence outlined above, the variant was classified as uncertain significance.

ARUP Laboratories, Molecular Genetics and Genomics, ARUP Laboratories
Classification: Likely pathogenic. Last evaluated: 2017-07-30. Review status: criteria provided, single submitter. Criteria: ARUP Molecular Germline Variant Investigation Process. Collection method: clinical testing. Allele origin: germline.

OMIM
Classification: other for HEMOGLOBIN CHEVERLY. Last evaluated: 2017-12-12. Review status: no assertion criteria provided. Collection method: literature only. Allele origin: germline. Not counted in ClinVar's aggregate classification.

Literature cited by the submitters: PubMed 6877904 (cited by Women's Health and Genetics/Laboratory Corporation of America, LabCorp and OMIM); PubMed 6815132 (cited by Women's Health and Genetics/Laboratory Corporation of America, LabCorp); PubMed 24200101 (cited by Women's Health and Genetics/Laboratory Corporation of America, LabCorp); PubMed 34528613 (cited by Women's Health and Genetics/Laboratory Corporation of America, LabCorp); PubMed 9798654 (cited by Women's Health and Genetics/Laboratory Corporation of America, LabCorp); PubMed 16790675 (cited by Women's Health and Genetics/Laboratory Corporation of America, LabCorp).

NM_000518.4(HBB):c.137T>C (p.Phe46Ser)

Genes: HBB (hemoglobin subunit beta; minus strand), LOC106099062 (HBB recombination region; plus strand), LOC107133510 (origin of replication at HBB; plus strand). Cytogenetic location: 11p15.4.
Variant type: single nucleotide variant.
Coding change: c.137T>C on transcript NM_000518.4; coding-DNA position 137, T replaced by C.
Protein change: p.Phe46Ser; replaces phenylalanine 46 with serine.
Molecular consequence: missense variant (on NM_000518.5).
Genome position (GRCh38, 1-based): chr11:5,226,755, A>G on the plus strand (T>C on the coding strand, the complement: HBB is on the minus strand). VCF-style: chr11-5226755-A-G. GRCh37 (hg19) VCF-style: chr11-5247985-A-G.
Other names: F45S; c.137T>C, p.Phe46Ser (NM_000518.5); short protein forms F46S.
Identifiers: ClinVar variation 15135 (VCV000015135.11), dbSNP rs33978338, ClinGen allele CA124791.